The following is an entry in ClinVar:

ClinVar aggregate classification (germline): Likely pathogenic. Review status: criteria provided, multiple submitters, no conflicts (2 of 4 stars). 2 submissions from 2 submitters: Likely pathogenic (2). Last evaluated 2024-01-19.

Conditions:
Medulloblastoma (MDB). Also called: MEDULLOBLASTOMA PREDISPOSITION SYNDROME; Medulloblastoma, somatic. Identifiers: Orphanet 616, MedGen C0025149, MeSH D008527, MONDO:0007959, OMIM 155255, HP:0002885.
Familial dysautonomia. Also called: FD; HSAN III. Identifiers: Orphanet 1764, MedGen C0013364, MONDO:0009131, OMIM 223900. Disease mechanism: loss of function.

Submissions (2):

Fulgent Genetics
Classification: Likely pathogenic for Medulloblastoma; Familial dysautonomia. Last evaluated: 2024-01-19. Review status: criteria provided, single submitter. Criteria: ACMG Guidelines, 2015. Collection method: clinical testing. Allele origin: germline.

Labcorp Genetics (formerly Invitae), Labcorp
Classification: Likely pathogenic. Last evaluated: 2023-11-14. Review status: criteria provided, single submitter. Criteria: Invitae Variant Classification Sherloc (09022015). Collection method: clinical testing. Allele origin: germline.
Comment: This sequence change affects an acceptor splice site in intron 6 of the ELP1 gene. It is expected to disrupt RNA splicing. Variants that disrupt the donor or acceptor splice site typically lead to a loss of protein function (PMID: 16199547), and loss-of-function variants in ELP1 are known to be pathogenic (PMID: 18303054, 24173031). This variant is not present in population databases (gnomAD no frequency). This variant has not been reported in the literature in individuals affected with ELP1-related conditions. Algorithms developed to predict the effect of sequence changes on RNA splicing suggest that this variant may disrupt the consensus splice site. In summary, the currently available evidence indicates that the variant is pathogenic, but additional data are needed to prove that conclusively. Therefore, this variant has been classified as Likely Pathogenic.

Literature cited by the submitters: PubMed 16199547 (cited by Labcorp Genetics (formerly Invitae), Labcorp); PubMed 18303054 (cited by Labcorp Genetics (formerly Invitae), Labcorp); PubMed 24173031 (cited by Labcorp Genetics (formerly Invitae), Labcorp).

NM_003640.5(ELP1):c.553-1G>A

Gene: ELP1 (elongator acetyltransferase complex subunit 1; minus strand). Cytogenetic location: 9q31.3.
Variant type: single nucleotide variant.
Coding change: c.553-1G>A on transcript NM_003640.5 (MANE Select); the canonical splice acceptor site of the intron before coding-DNA position 553, G replaced by A.
Molecular consequence: splice acceptor variant. On other transcripts: intron variant (1).
Genome position (GRCh38, 1-based): chr9:108,919,350, C>T on the plus strand (G>A on the coding strand, the complement: ELP1 is on the minus strand). VCF-style: chr9-108919350-C-T. GRCh37 (hg19) VCF-style: chr9-111681630-C-T.
Other names: c.211-1G>A (NM_001318360.2); c.-307-1680G>A (NM_001330749.2).
Identifiers: ClinVar variation 2783739 (VCV002783739.4), dbSNP rs2537943745, ClinGen allele CA374388780.